The following is an entry in ClinVar:

ClinVar aggregate classification (germline): Uncertain significance (1 of 4 stars; one submission).

Submission:

Labcorp Genetics (formerly Invitae), Labcorp
Classification: Uncertain significance. Last evaluated: 2025-08-11. Review status: criteria provided, single submitter. Criteria: Invitae Variant Classification Sherloc (09022015). Collection method: clinical testing. Allele origin: germline.
Comment: This sequence change replaces methionine, which is neutral and non-polar, with leucine, which is neutral and non-polar, at codon 1977 of the UNC80 protein (p.Met1977Leu). This variant is present in population databases (no rsID available, gnomAD 0.01%). This variant has not been reported in the literature in individuals affected with UNC80-related conditions. ClinVar contains an entry for this variant (Variation ID: 2132405). Invitae Evidence Modeling of protein sequence and biophysical properties (such as structural, functional, and spatial information, amino acid conservation, physicochemical variation, residue mobility, and thermodynamic stability) indicates that this missense variant is not expected to disrupt UNC80 protein function with a negative predictive value of 80%. In summary, the available evidence is currently insufficient to determine the role of this variant in disease. Therefore, it has been classified as a Variant of Uncertain Significance.

NM_001371986.1(UNC80):c.6127A>T (p.Met2043Leu)

Gene: UNC80 (unc-80 subunit of NALCN channel complex; plus strand). Cytogenetic location: 2q34.
Variant type: single nucleotide variant.
Coding change: c.6127A>T on transcript NM_001371986.1 (MANE Select); coding-DNA position 6127, A replaced by T.
Protein change: p.Met2043Leu; replaces methionine 2043 with leucine.
Molecular consequence: missense variant.
Genome position (GRCh38, 1-based): chr2:209,933,954, A>T. VCF-style: chr2-209933954-A-T. GRCh37 (hg19) VCF-style: chr2-210798678-A-T.
Other names: c.5929A>T, p.Met1977Leu (NM_032504.2); c.5914A>T, p.Met1972Leu (NM_182587.4); short protein forms M1972L, M2043L, M1977L.
Identifiers: ClinVar variation 2132405 (VCV002132405.4), dbSNP rs1451679056, ClinGen allele CA350769100.